The following is an entry in ClinVar:

ClinVar aggregate classification (germline): Uncertain significance. Review status: criteria provided, multiple submitters, no conflicts (2 of 4 stars). 2 submissions from 2 submitters: Uncertain significance (2). Last evaluated 2024-02-21.

Conditions:
Nephrotic syndrome, type 2 (NPHS2). Also called: NEPHROTIC SYNDROME, STEROID-RESISTANT, AUTOSOMAL RECESSIVE. Identifiers: Orphanet 656, MedGen C1868672, MONDO:0010974, OMIM 600995.

Allele frequency attached by ClinVar (database versions not stated): ESP Exome Variant Server 0.00008; gnomAD exomes below 0.00001; ExAC 0.00006.
gnomAD v4.1: 10 of 1,613,708 alleles (0.00062%); highest among the groups gnomAD compares: African/African-American, 0.012%; no homozygotes.

Submissions (2):

Fulgent Genetics
Classification: Uncertain significance for Nephrotic syndrome, type 2. Last evaluated: 2024-02-21. Review status: criteria provided, single submitter. Criteria: ACMG Guidelines, 2015. Collection method: clinical testing. Allele origin: germline.

Labcorp Genetics (formerly Invitae), Labcorp
Classification: Uncertain significance. Last evaluated: 2021-09-01. Review status: criteria provided, single submitter. Criteria: Invitae Variant Classification Sherloc (09022015). Collection method: clinical testing. Allele origin: germline.
Comment: This sequence change replaces isoleucine with valine at codon 241 of the NPHS2 protein (p.Ile241Val). The isoleucine residue is highly conserved and there is a small physicochemical difference between isoleucine and valine. This variant is present in population databases (rs147672543, ExAC 0.07%). This variant has not been reported in the literature in individuals affected with NPHS2-related conditions. Advanced modeling of protein sequence and biophysical properties (such as structural, functional, and spatial information, amino acid conservation, physicochemical variation, residue mobility, and thermodynamic stability) performed at Invitae indicates that this missense variant is expected to disrupt NPHS2 protein function. In summary, the available evidence is currently insufficient to determine the role of this variant in disease. Therefore, it has been classified as a Variant of Uncertain Significance.

NM_014625.4(NPHS2):c.721A>G (p.Ile241Val)

Gene: NPHS2 (NPHS2 stomatin family member, podocin; minus strand). Cytogenetic location: 1q25.2.
Variant type: single nucleotide variant.
Coding change: c.721A>G on transcript NM_014625.4 (MANE Select); coding-DNA position 721, A replaced by G.
Protein change: p.Ile241Val; replaces isoleucine 241 with valine.
Molecular consequence: missense variant. On other transcripts: intron variant (1).
Genome position (GRCh38, 1-based): chr1:179,557,044, T>C on the plus strand (A>G on the coding strand, the complement: NPHS2 is on the minus strand). VCF-style: chr1-179557044-T-C. GRCh37 (hg19) VCF-style: chr1-179526179-T-C.
Other names: c.535-2513A>G (NM_001297575.2); short protein forms I241V.
Identifiers: ClinVar variation 2140552 (VCV002140552.2), dbSNP rs147672543, ClinGen allele CA1267147.
Genomic context (GRCh38, chr1:179,557,044, plus strand): 5'-GATAAATATTTCAGCATATTGGCCATTATGTTTATCTAAGTACCTTTGCATCTTGGGCGA[T>C]GCTCTTCCTCTCTAGAAGAATTTCAGTGAGGGATCGATGTGCTAGGAGACGCTTCATAGT-3'
Protein context (NP_055440.1, residues 231-251): LTEILLERKS[Ile241Val]AQDAKVALDS